The following is an entry in ClinVar:

NM_001127511.3(APC):c.-128G>A

Gene: APC (APC regulator of Wnt signaling pathway; plus strand). Cytogenetic location: 5q22.2.
Variant type: single nucleotide variant.
Coding change: c.-128G>A on transcript NM_001127511.3; 128 bases upstream of the start codon, G replaced by A.
Molecular consequence: 5 prime UTR variant. On other transcripts: non-coding transcript variant (2).
Genome position (GRCh38, 1-based): chr5:112,707,590, G>A. VCF-style: chr5-112707590-G-A. GRCh37 (hg19) VCF-style: chr5-112043287-G-A.
Other names: c.-311G>A (NM_001354895.2, NM_001407447.1, NM_001407452.1 and 3 more transcripts); c.-128G>A (NM_001354897.2, NM_001354902.2, NM_001407446.1); c.-78G>A (NM_001407448.1, NM_001407450.1, NM_001407457.1 and 1 more transcripts); c.-102G>A (NM_001407453.1); c.-1346G>A (NM_001407470.1, NM_001407472.1).
Identifiers: ClinVar variation 1038855 (VCV001038855.9), dbSNP rs543098847, ClinGen allele CA561890253.
Genomic context (GRCh38, chr5:112,707,590, plus strand): 5'-CGGAGGGCAAGTAGCAAGGGGGCGGGGTGTGGCCGCCGGAAGCCTAGCCGCTGCTCGGGG[G>A]GGACCTGCGGGCTCAGGCCCGGGAGCTGCGGACCGAGGTTGGCTCGATGCTGTTCCCAGG-3'

ClinVar aggregate classification (germline): Uncertain significance (1 of 4 stars; one submission).

Conditions:
Familial adenomatous polyposis 1 (FAP1). Also called: FAMILIAL ADENOMATOUS POLYPOSIS 1, ATTENUATED; POLYPOSIS, ADENOMATOUS INTESTINAL. Identifiers: MedGen C2713442, MONDO:0021056, OMIM 175100. Disease mechanism: loss of function.

Submission:

Labcorp Genetics (formerly Invitae), Labcorp
Classification: Uncertain significance for Familial adenomatous polyposis 1. Last evaluated: 2025-10-25. Review status: criteria provided, single submitter. Criteria: Invitae Variant Classification Sherloc (09022015). Collection method: clinical testing. Allele origin: germline.
Comment: This variant occurs in a non-coding region of the APC gene. It does not change the encoded amino acid sequence of the APC protein. This variant is present in population databases (no rsID available, gnomAD 0.03%). This variant has not been reported in the literature in individuals affected with APC-related conditions. Experimental studies and prediction algorithms are not available or were not evaluated, and the functional significance of this variant is currently unknown. In summary, the available evidence is currently insufficient to determine the role of this variant in disease. Therefore, it has been classified as a Variant of Uncertain Significance.